The following is an entry in ClinVar:

ClinVar aggregate classification (germline): Pathogenic (1 of 4 stars; one submission).

Conditions:
Breast-ovarian cancer, familial, susceptibility to, 1 (BROVCA1). Also called: BRCA1 Hereditary Breast and Ovarian Cancer; OVARIAN CANCER, SUSCEPTIBILITY TO. Identifiers: Orphanet 145, MedGen C2676676, MONDO:0011450, OMIM 604370. Disease mechanism: loss of function.

Submission:

MVZ Medizinische Genetik Mainz
Classification: Pathogenic for Breast-ovarian cancer, familial, susceptibility to, 1. Last evaluated: 2024-07-17. Review status: criteria provided, single submitter. Criteria: UK Practice Guidelines For Variant Classification V4 01 2020. Collection method: clinical testing. Allele origin: germline. Inheritance: Autosomal dominant inheritance. Affected: yes. Observed: 1 variant allele.
Comment: ACMG Criteria: PVS1,PM5_STR,PM2_SUP

NM_007294.4(BRCA1):c.2853del (p.Arg951fs)

Gene: BRCA1 (BRCA1 DNA repair associated; minus strand). Cytogenetic location: 17q21.31.
Variant type: Deletion.
Coding change: c.2853del on transcript NM_007294.4 (MANE Select); coding-DNA position 2853, one base deleted (G; older notation c.2853delG).
Protein change: p.Arg951fs; shifts the reading frame from arginine 951.
Molecular consequence: frameshift variant. On other transcripts: intron variant (137).
Genome position (GRCh38, 1-based): chr17:43,092,678, C deleted on the plus strand (G on the coding strand, the reverse complement: BRCA1 is on the minus strand); the first of 2 consecutive C bases (chr17:43,092,678-43,092,679); deleting either gives the same sequence. VCF-style (leftmost placement, unchanged base first): chr17-43092677-AC-A. GRCh37 (hg19) VCF-style: chr17-41244694-AC-A.
Other names: c.668-1646del (NM_001408424.1, NM_001408431.1, NM_001408421.1); c.785-1646del (NM_001408407.1, NM_001408402.1, NM_001408473.1 and 13 more transcripts); c.665-1646del (NM_001408443.1, NM_001408439.1, NM_001408425.1 and 12 more transcripts); c.671-1646del (NM_001408419.1, NM_001408422.1, NM_001408418.1 and 2 more transcripts); c.788-1646del (NM_001408403.1, NM_001407983.1, NM_001407975.1 and 17 more transcripts); c.791-1655del (NM_001408406.1); c.647-1646del (NM_001408456.1, NM_001408410.1, NM_001408460.1 and 11 more transcripts); c.644-1646del (NM_001408465.1, NM_001408463.1, NM_001408462.1 and 3 more transcripts); and 41 more; short protein forms R655fs, R783fs, R823fs, R824fs, R839fs, R840fs, R862fs, R863fs.
Identifiers: ClinVar variation 3338381 (VCV003338381.1).
Genomic context (GRCh38, chr17:43,092,677, plus strand): 5'-CATGTTTATTTGGAGTAATGAGTCCAGTTTCGTTGCCTCTGAACTGAGATGATAGACAAA[AC>A]CTAGAGCCTCCTTTGATACTACATTTGGCATTATCAACTGGCTTATCTTTCTGACCAACC-3'